The following is an entry in ClinVar:

ClinVar aggregate classification (germline): Uncertain significance. Review status: criteria provided, multiple submitters, no conflicts (2 of 4 stars). 2 submissions from 2 submitters: Uncertain significance (2). Last evaluated 2024-11-11.

Conditions:
Larsen-like syndrome, B3GAT3 type. Also called: Multiple joint dislocations, short stature, craniofacial dysmorphism, with or without congenital heart defects; MULTIPLE JOINT DISLOCATIONS, SHORT STATURE, AND CRANIOFACIAL DYSMORPHISM WITH OR WITHOUT CONGENITAL HEART DEFECTS. Identifiers: Orphanet 284139, MedGen CN034159, MONDO:0009511, OMIM 245600.

Allele frequency attached by ClinVar (database versions not stated): gnomAD exomes 0.00003; ExAC 0.00005; gnomAD 0.00001.

Submissions (2):

Labcorp Genetics (formerly Invitae), Labcorp
Classification: Uncertain significance for Larsen-like syndrome, B3GAT3 type. Last evaluated: 2024-11-11. Review status: criteria provided, single submitter. Criteria: Invitae Variant Classification Sherloc (09022015). Collection method: clinical testing. Allele origin: germline.
Comment: This sequence change replaces proline, which is neutral and non-polar, with arginine, which is basic and polar, at codon 248 of the B3GAT3 protein (p.Pro248Arg). This variant is present in population databases (rs751979169, gnomAD 0.006%). This variant has not been reported in the literature in individuals affected with B3GAT3-related conditions. ClinVar contains an entry for this variant (Variation ID: 1319796). Invitae Evidence Modeling of protein sequence and biophysical properties (such as structural, functional, and spatial information, amino acid conservation, physicochemical variation, residue mobility, and thermodynamic stability) indicates that this missense variant is not expected to disrupt B3GAT3 protein function with a negative predictive value of 80%. In summary, the available evidence is currently insufficient to determine the role of this variant in disease. Therefore, it has been classified as a Variant of Uncertain Significance.

Institute for Clinical Genetics, University Hospital TU Dresden, University Hospital TU Dresden
Classification: Uncertain significance. Last evaluated: 2021-11-03. Review status: criteria provided, single submitter. Criteria: ACMG Guidelines, 2015. Collection method: clinical testing. Allele origin: germline.

NM_012200.4(B3GAT3):c.743C>G (p.Pro248Arg)

Gene: B3GAT3 (beta-1,3-glucuronyltransferase 3; minus strand). Cytogenetic location: 11q12.3.
Variant type: single nucleotide variant.
Coding change: c.743C>G on transcript NM_012200.4 (MANE Select); coding-DNA position 743, C replaced by G.
Protein change: p.Pro248Arg; replaces proline 248 with arginine.
Molecular consequence: missense variant. On other transcripts: non-coding transcript variant (1).
Genome position (GRCh38, 1-based): chr11:62,616,672, G>C on the plus strand (C>G on the coding strand, the complement: B3GAT3 is on the minus strand). VCF-style: chr11-62616672-G-C. GRCh37 (hg19) VCF-style: chr11-62384144-G-C.
Other names: c.722C>G, p.Pro241Arg (NM_001288721.2); c.743C>G, p.Pro248Arg (NM_001288722.2, NM_001288723.2); short protein forms P241R, P248R.
Identifiers: ClinVar variation 1319796 (VCV001319796.7), dbSNP rs751979169, ClinGen allele CA6050015.